The following is an entry in ClinVar:

NM_002972.4(SBF1):c.4210G>A (p.Glu1404Lys)

Gene: SBF1 (SET binding factor 1; minus strand). Cytogenetic location: 22q13.33.
Variant type: single nucleotide variant.
Coding change: c.4210G>A on transcript NM_002972.4 (MANE Select); coding-DNA position 4210, G replaced by A.
Protein change: p.Glu1404Lys; replaces glutamic acid 1404 with lysine.
Molecular consequence: missense variant.
Genome position (GRCh38, 1-based): chr22:50,456,272, C>T on the plus strand (G>A on the coding strand, the complement: SBF1 is on the minus strand). VCF-style: chr22-50456272-C-T. GRCh37 (hg19) VCF-style: chr22-50894701-C-T.
Other names: c.4135G>A, p.Glu1379Lys (NM_001365819.1); c.4213G>A, p.Glu1405Lys (NM_001410794.1); c.4132G>A, p.Glu1378Lys (NM_001410795.1); short protein forms E1378K, E1379K, E1404K, E1405K.
Identifiers: ClinVar variation 3383808 (VCV003383808.1).

ClinVar aggregate classification (germline): Uncertain significance (1 of 4 stars; one submission).

Submission:

GeneDx
Classification: Uncertain significance. Last evaluated: 2024-05-30. Review status: criteria provided, single submitter. Criteria: GeneDx Variant Classification Process June 2021. Collection method: clinical testing. Allele origin: germline. Affected: yes.
Comment: Not observed at significant frequency in large population cohorts (gnomAD); In silico analysis indicates that this missense variant does not alter protein structure/function; Has not been previously published as pathogenic or benign to our knowledge